The following is an entry in ClinVar:

ClinVar aggregate classification (germline): Likely benign. Review status: criteria provided, multiple submitters, no conflicts (2 of 4 stars). 5 submissions from 5 submitters: Likely benign (5). Last evaluated 2025-12-21.

Conditions:
NPHP4-related disorder. Also called: NPHP4-related condition; NPHP4-related disorders. Identifiers: MedGen CN239384.
Nephronophthisis. Also called: Juvenile Nephronophthisis. Identifiers: Orphanet 655, MedGen C0687120, MONDO:0019005, HP:0000090.
Nephronophthisis 4 (NPHP4). Also called: NEPHRONOPHTHISIS 4, JUVENILE. Identifiers: Orphanet 655, MedGen C1847013, MONDO:0011752, OMIM 606966.
Senior-Loken syndrome 4 (SLSN4). Identifiers: Orphanet 3156, MedGen C1846979, MONDO:0011756, OMIM 606996.
Inborn genetic diseases. Identifiers: MedGen C0950123, MeSH D030342.

Allele frequency attached by ClinVar (database versions not stated): gnomAD exomes 0.00005; ExAC 0.00006; ESP Exome Variant Server 0.00025; 1000 Genomes Project 30x 0.00031; TOPMed 0.00031; gnomAD 0.00033 and 0.00034; 1000 Genomes Project 0.00040.
gnomAD v4.1: 125 of 1,610,576 alleles (0.0078%); highest among the groups gnomAD compares: African/African-American, 0.1%; no homozygotes.

Submissions (5):

Labcorp Genetics (formerly Invitae), Labcorp
Classification: Likely benign for Nephronophthisis. Last evaluated: 2025-12-21. Review status: criteria provided, single submitter. Criteria: Invitae Variant Classification Sherloc (09022015). Collection method: clinical testing. Allele origin: germline.

PreventionGenetics, part of Exact Sciences
Classification: Likely benign for NPHP4-related condition. Last evaluated: 2025-03-25. Review status: criteria provided, single submitter. Criteria: ACMG Guidelines, 2015. Collection method: clinical testing. Allele origin: germline.
Comment: This variant is classified as likely benign based on ACMG/AMP sequence variant interpretation guidelines (Richards et al. 2015 PMID: 25741868, with internal and published modifications).

Ambry Genetics
Classification: Likely benign for Inborn genetic diseases. Last evaluated: 2023-11-03. Review status: criteria provided, single submitter. Criteria: Ambry Variant Classification Scheme 2023. Collection method: clinical testing. Allele origin: germline.

CeGaT Center for Human Genetics Tuebingen
Classification: Likely benign. Last evaluated: 2022-04-01. Review status: criteria provided, single submitter. Criteria: CeGaT Center For Human Genetics Tuebingen Variant Classification Criteria Version 2. Collection method: clinical testing. Allele origin: germline. Affected: yes. Observed: 1 variant allele.
Comment: NPHP4: BP4, BP7

Fulgent Genetics
Classification: Likely benign for Nephronophthisis 4; Senior-Loken syndrome 4. Last evaluated: 2021-10-22. Review status: criteria provided, single submitter. Criteria: ACMG Guidelines, 2015. Collection method: clinical testing. Allele origin: unknown.

NM_015102.5(NPHP4):c.1431G>A (p.Thr477=)

Gene: NPHP4 (nephrocystin 4; minus strand). Cytogenetic location: 1p36.31.
Variant type: single nucleotide variant.
Coding change: c.1431G>A on transcript NM_015102.5 (MANE Select); coding-DNA position 1431, G replaced by A.
Protein change: p.Thr477=; no amino-acid change (threonine 477 retained).
Molecular consequence: synonymous variant. On other transcripts: missense variant (2), non-coding transcript variant (1).
Genome position (GRCh38, 1-based): chr1:5,927,659, C>T on the plus strand (G>A on the coding strand, the complement: NPHP4 is on the minus strand). VCF-style: chr1-5927659-C-T. GRCh37 (hg19) VCF-style: chr1-5987719-C-T.
Other names: c.65G>A (NM_001291593.1); c.65G>A, p.Arg22His (NM_001291593.2, NM_001291594.2); c.1431G>A (NM_015102.3); short protein forms R22H.
Identifiers: ClinVar variation 700098 (VCV000700098.36), dbSNP rs200183657, ClinGen allele CA554521.